The following is an entry in ClinVar:

NM_001353345.2(SETD1B):c.586C>T (p.Arg196Ter)

Gene: SETD1B (SET domain containing 1B, histone lysine methyltransferase; plus strand). Cytogenetic location: 12q24.31.
Variant type: single nucleotide variant.
Coding change: c.586C>T on transcript NM_001353345.2 (MANE Select); coding-DNA position 586, C replaced by T.
Protein change: p.Arg196Ter; replaces arginine 196 with a stop codon.
Molecular consequence: nonsense.
Genome position (GRCh38, 1-based): chr12:121,808,249, C>T. VCF-style: chr12-121808249-C-T. GRCh37 (hg19) VCF-style: chr12-122246155-C-T.
Other names: short protein forms R196*.
Identifiers: ClinVar variation 4292828 (VCV004292828.1).
Genomic context (GRCh38, chr12:121,808,249, plus strand): 5'-CTTTCCTGCCCATCTACAGGGGAAACCCGAATGCGGTTCTATGAACTGTTGGTCACTGGC[C>T]GATACACCCCCCAGACCCTCCCAGTGGGCGAGCTGGACGCTGTCTCTCCAATCGTGAATG-3'

ClinVar aggregate classification (germline): Likely pathogenic (1 of 4 stars; one submission).

Conditions:
Intellectual developmental disorder with seizures and language delay (IDDSELD). Identifiers: MedGen C5436574, MONDO:0033559, OMIM 619000.

Submission:

3billion
Classification: Likely pathogenic for Intellectual developmental disorder with seizures and language delay. Last evaluated: 2024-11-15. Review status: criteria provided, single submitter. Criteria: ACMG Guidelines, 2015. Collection method: clinical testing. Allele origin: germline. Affected: yes.
Comment: The variant is not observed in the gnomAD v4.1.0 dataset. Predicted Consequence/Location: Stop-gained (nonsense): predicted to result in a loss or disruption of normal protein function through nonsense-mediated decay (NMD) or protein truncation. Multiple pathogenic variants are reported downstream of the variant. Therefore, this variant is classified as Likely pathogenic according to the recommendation of ACMG/AMP guideline.